The following is an entry in ClinVar:

NM_182643.3(DLC1):c.3401A>G (p.Asp1134Gly)

Gene: DLC1 (DLC1 Rho GTPase activating protein; minus strand). Cytogenetic location: 8p22.
Variant type: single nucleotide variant.
Coding change: c.3401A>G on transcript NM_182643.3 (MANE Select); coding-DNA position 3401, A replaced by G.
Protein change: p.Asp1134Gly; replaces aspartic acid 1134 with glycine.
Molecular consequence: missense variant.
Genome position (GRCh38, 1-based): chr8:13,094,884, T>C on the plus strand (A>G on the coding strand, the complement: DLC1 is on the minus strand). VCF-style: chr8-13094884-T-C. GRCh37 (hg19) VCF-style: chr8-12952393-T-C.
Other names: c.1868A>G, p.Asp623Gly (NM_001164271.2, NM_001348082.2, NM_001348083.1 and 6 more transcripts); c.2192A>G, p.Asp731Gly (NM_001316668.2, NM_001413129.1); c.3401A>G, p.Asp1134Gly (NM_001348081.2, NM_001413124.1); c.2183A>G, p.Asp728Gly (NM_001413130.1); c.1841A>G, p.Asp614Gly (NM_001413131.1, NM_001413137.1); c.2327A>G, p.Asp776Gly (NM_001413132.1); c.2090A>G, p.Asp697Gly (NM_001413135.1, NM_001413136.1, NM_001413139.1 and 1 more transcripts); c.2225A>G, p.Asp742Gly (NM_001413140.1); and 1 more; short protein forms D742G, D1134G, D614G, D728G, D731G, D623G, D697G, D776G.
Identifiers: ClinVar variation 2157274 (VCV002157274.8), dbSNP rs377159911, ClinGen allele CA4638327.
Genomic context (GRCh38, chr8:13,094,884, plus strand): 5'-AAATACTGCTTCAGCATGTCTGCCACGTCATAAGCAGACTGTCCTTCGTAGTTGACACAG[T>C]CTATGGCACCTTCATTCATCTGGCGCAGAGCCTGAATCCGGGACTTGACCCCCGATTTTC-3'
Protein context (NP_872584.2, residues 1124-1144): ALRQMNEGAI[Asp1134Gly]CVNYEGQSAY

ClinVar aggregate classification (germline): Uncertain significance. Review status: criteria provided, multiple submitters, no conflicts (2 of 4 stars). 4 submissions from 4 submitters: Uncertain significance (3). 1 of the submissions does not count toward it. Last evaluated 2024-11-28.

Conditions:
DLC1-related disorder. Also called: DLC1-related condition.
Colorectal cancer. Also called: Colorectal cancer, somatic; Malignant Colorectal Neoplasm. Identifiers: MedGen C0346629, MONDO:0005575, OMIM 114500.

Allele frequency attached by ClinVar (database versions not stated): ExAC 0.00003; ESP Exome Variant Server 0.00015; 1000 Genomes Project 30x 0.00016; TOPMed 0.00019; 1000 Genomes Project 0.00020.
gnomAD v4.1: 51 of 1,614,212 alleles (0.0032%); highest among the groups gnomAD compares: African/African-American, 0.06%; no homozygotes.

Submissions (4):

Ambry Genetics
Classification: Uncertain significance. Last evaluated: 2024-11-28. Review status: criteria provided, single submitter. Criteria: Ambry Variant Classification Scheme 2023. Collection method: clinical testing. Allele origin: germline.

Fulgent Genetics
Classification: Uncertain significance for Colorectal cancer. Last evaluated: 2024-04-12. Review status: criteria provided, single submitter. Criteria: ACMG Guidelines, 2015. Collection method: clinical testing. Allele origin: germline.

Labcorp Genetics (formerly Invitae), Labcorp
Classification: Uncertain significance. Last evaluated: 2022-08-23. Review status: criteria provided, single submitter. Criteria: Invitae Variant Classification Sherloc (09022015). Collection method: clinical testing. Allele origin: germline.
Comment: In summary, the available evidence is currently insufficient to determine the role of this variant in disease. Therefore, it has been classified as a Variant of Uncertain Significance. Algorithms developed to predict the effect of missense changes on protein structure and function (SIFT, PolyPhen-2, Align-GVGD) all suggest that this variant is likely to be tolerated. This variant has not been reported in the literature in individuals affected with DLC1-related conditions. This variant is present in population databases (rs377159911, gnomAD 0.05%). This sequence change replaces aspartic acid, which is acidic and polar, with glycine, which is neutral and non-polar, at codon 1134 of the DLC1 protein (p.Asp1134Gly).

PreventionGenetics, part of Exact Sciences
Classification: Uncertain significance for DLC1-related condition. Last evaluated: 2024-05-13. Review status: no assertion criteria provided. Collection method: clinical testing. Allele origin: germline. Not counted in ClinVar's aggregate classification.
Comment: The DLC1 c.3401A>G variant is predicted to result in the amino acid substitution p.Asp1134Gly. To our knowledge, this variant has not been reported in the literature. This variant is reported in 0.048% of alleles in individuals of African descent in gnomAD. At this time, the clinical significance of this variant is uncertain due to the absence of conclusive functional and genetic evidence.